The following is an entry in ClinVar:

NM_000264.5(PTCH1):c.3055G>A (p.Glu1019Lys)

Gene: PTCH1 (patched 1; minus strand). Cytogenetic location: 9q22.32.
Variant type: single nucleotide variant.
Coding change: c.3055G>A on transcript NM_000264.5 (MANE Select); coding-DNA position 3055, G replaced by A.
Protein change: p.Glu1019Lys; replaces glutamic acid 1019 with lysine.
Molecular consequence: missense variant. On other transcripts: non-coding transcript variant (1).
Genome position (GRCh38, 1-based): chr9:95,458,126, C>T on the plus strand (G>A on the coding strand, the complement: PTCH1 is on the minus strand). VCF-style: chr9-95458126-C-T. GRCh37 (hg19) VCF-style: chr9-98220408-C-T.
Other names: c.2857G>A, p.Glu953Lys (NM_001083602.3); c.3052G>A, p.Glu1018Lys (NM_001083603.3); c.2602G>A, p.Glu868Lys (NM_001083604.3, NM_001083605.3, NM_001083606.3 and 1 more transcripts); c.2899G>A, p.Glu967Lys (NM_001354918.2); short protein forms E1019K, E967K, E1018K, E953K, E868K.
Identifiers: ClinVar variation 3939945 (VCV003939945.1).

ClinVar aggregate classification (germline): Uncertain significance (1 of 4 stars; one submission).

Conditions:
Hereditary cancer-predisposing syndrome. Also called: Tumor predisposition; Hereditary neoplastic syndrome; Hereditary Cancer Syndrome; Neoplastic Syndromes, Hereditary. Identifiers: Orphanet 140162, MedGen C0027672, MeSH D009386, MONDO:0015356.

gnomAD v4.1: 1 of 1,614,218 alleles (0.000062%); highest among the groups gnomAD compares: Non-Finnish European, 0.000085%; no homozygotes.

Submission:

Ambry Genetics
Classification: Uncertain significance for Hereditary cancer-predisposing syndrome. Last evaluated: 2025-04-07. Review status: criteria provided, single submitter. Criteria: Ambry Variant Classification Scheme 2023. Collection method: clinical testing. Allele origin: germline.
Comment: The p.E1019K variant (also known as c.3055G>A), located in coding exon 18 of the PTCH1 gene, results from a G to A substitution at nucleotide position 3055. The glutamic acid at codon 1019 is replaced by lysine, an amino acid with similar properties. This amino acid position is conserved. In addition, this alteration is predicted to be deleterious by in silico analysis. Based on the available evidence, the clinical significance of this variant remains unclear.